The following is an entry in ClinVar:

ClinVar aggregate classification (germline): Benign. Review status: criteria provided, single submitter (1 of 4 stars). 2 submissions from 2 submitters: Benign (1). 1 of the submissions does not count toward it. Last evaluated 2019-12-31.

Conditions:
THBS2-related disorder. Also called: THBS2-related condition.

Allele frequency attached by ClinVar (database versions not stated): gnomAD exomes 0.00192 and 0.00455; 1000 Genomes Project 0.02216; gnomAD 0.02247 and 0.02071; TOPMed 0.02336; 1000 Genomes Project 30x 0.02358; ExAC 0.00963; ESP Exome Variant Server 0.02208.
gnomAD v4.1: 6,065 of 1,606,298 alleles (0.38%); highest among the groups gnomAD compares: African/African-American, 7.4%; 228 homozygotes.

Submissions (2):

Labcorp Genetics (formerly Invitae), Labcorp
Classification: Benign. Last evaluated: 2019-12-31. Review status: criteria provided, single submitter. Criteria: Invitae Variant Classification Sherloc (09022015). Collection method: clinical testing. Allele origin: germline.

PreventionGenetics, part of Exact Sciences
Classification: Benign for THBS2-related condition. Last evaluated: 2019-07-30. Review status: no assertion criteria provided. Collection method: clinical testing. Allele origin: germline. Not counted in ClinVar's aggregate classification.
Comment: This variant is classified as benign based on ACMG/AMP sequence variant interpretation guidelines (Richards et al. 2015 PMID: 25741868, with internal and published modifications).

NM_003247.5(THBS2):c.1077C>A (p.Thr359=)

Gene: THBS2 (thrombospondin 2; minus strand). Cytogenetic location: 6q27.
Variant type: single nucleotide variant.
Coding change: c.1077C>A on transcript NM_003247.5 (MANE Select); coding-DNA position 1077, C replaced by A.
Protein change: p.Thr359=; no amino-acid change (threonine 359 retained).
Molecular consequence: synonymous variant. On other transcripts: non-coding transcript variant (2).
Genome position (GRCh38, 1-based): chr6:169,239,651, G>T on the plus strand (C>A on the coding strand, the complement: THBS2 is on the minus strand). VCF-style: chr6-169239651-G-T. GRCh37 (hg19) VCF-style: chr6-169639746-G-T.
Other names: c.1077C>A, p.Thr359= (NM_001381939.1, NM_001381940.1); c.846C>A, p.Thr282= (NM_001381942.1).
Identifiers: ClinVar variation 776187 (VCV000776187.6), dbSNP rs6925000, ClinGen allele CA4103424.
Genomic context (GRCh38, chr6:169,239,651, plus strand): 5'-ATACTCACAGTGGAGGCAGGAAGGGCAGCATTCGCCTTCCACAAAGGATGGACTGGCGCA[G>T]GTTGCAGGCGGGCAGGTGATTTGGTGGCAAATGGTTTTAAATTTCTACAAGTGAAGAAAG-3'
Protein context (NP_003238.2, residues 349-369): ICHQITCPPA[Thr359=]CASPSFVEGE